The following is an entry in ClinVar:

NM_000719.7(CACNA1C):c.687C>T (p.Ala229=)

Gene: CACNA1C (calcium voltage-gated channel subunit alpha1 C; plus strand). Cytogenetic location: 12p13.33.
Variant type: single nucleotide variant.
Coding change: c.687C>T on transcript NM_000719.7 (MANE Select); coding-DNA position 687, C replaced by T.
Protein change: p.Ala229=; no amino-acid change (alanine 229 retained).
Molecular consequence: synonymous variant.
Genome position (GRCh38, 1-based): chr12:2,457,636, C>T. VCF-style: chr12-2457636-C-T. GRCh37 (hg19) VCF-style: chr12-2566802-C-T.
Other names: p.Ala229=; c.687C>T, p.Ala229= (NM_001129827.2, NM_001129829.2, NM_001129830.3 and 19 more transcripts).
Identifiers: ClinVar variation 699321 (VCV000699321.14), dbSNP rs201664704, ClinGen allele CA6388505.

ClinVar aggregate classification (germline): Likely benign. Review status: criteria provided, multiple submitters, no conflicts (2 of 4 stars). 3 submissions from 3 submitters: Likely benign (3). Last evaluated 2025-11-17.

Conditions:
Cardiovascular phenotype. Identifiers: MedGen CN230736.
Long QT syndrome (LQTS). Identifiers: MedGen C0023976, MeSH D008133, MONDO:0002442. Disease mechanism: loss of function. Inheritance: Various modes of inheritance.

Allele frequency attached by ClinVar (database versions not stated): ExAC 0.00001; gnomAD exomes 0.00001; TOPMed 0.00003; gnomAD 0.00004 and 0.00005; 1000 Genomes Project 30x 0.00016; 1000 Genomes Project 0.00020.
gnomAD v4.1: 52 of 1,612,752 alleles (0.0032%); highest among the groups gnomAD compares: Non-Finnish European, 0.0037%; no homozygotes.

Submissions (3):

Labcorp Genetics (formerly Invitae), Labcorp
Classification: Likely benign for Long QT syndrome. Last evaluated: 2025-11-17. Review status: criteria provided, single submitter. Criteria: Invitae Variant Classification Sherloc (09022015). Collection method: clinical testing. Allele origin: germline.

Mayo Clinic Laboratories, Mayo Clinic
Classification: Likely benign. Last evaluated: 2025-06-24. Review status: criteria provided, single submitter. Criteria: ACMG Guidelines, 2015. Collection method: clinical testing. Allele origin: germline. Observed: 1 variant allele.
Comment: BP4, BP7

Ambry Genetics
Classification: Likely benign for Cardiovascular phenotype. Last evaluated: 2020-10-13. Review status: criteria provided, single submitter. Criteria: Ambry Variant Classification Scheme 2023. Collection method: clinical testing. Allele origin: germline.